The following is an entry in ClinVar:

NM_001374385.1(ATP8B1):c.1429+166A>C

Gene: ATP8B1 (ATPase phospholipid transporting 8B1; minus strand). Cytogenetic location: 18q21.31.
Variant type: single nucleotide variant.
Coding change: c.1429+166A>C on transcript NM_001374385.1 (MANE Select); 166 bases into the intron after coding-DNA position 1429, A replaced by C.
Molecular consequence: intron variant.
Genome position (GRCh38, 1-based): chr18:57,688,133, T>G on the plus strand (A>C on the coding strand, the complement: ATP8B1 is on the minus strand). VCF-style: chr18-57688133-T-G. GRCh37 (hg19) VCF-style: chr18-55355365-T-G.
Other names: c.1429+166A>C (NM_005603.6); c.1279+166A>C (NM_001374386.1).
Identifiers: ClinVar variation 1678659 (VCV001678659.2), dbSNP rs58650958, ClinGen allele CA300858382.

ClinVar aggregate classification (germline): Likely benign (1 of 4 stars; one submission).

Allele frequency attached by ClinVar (database versions not stated): gnomAD 0.00876 and 0.00948; TOPMed 0.00988; 1000 Genomes Project 0.01098; 1000 Genomes Project 30x 0.01234.
gnomAD v4.1: 1,319 of 152,296 alleles (0.87%); highest among the groups gnomAD compares: African/African-American, 3%; 20 homozygotes.

Submission:

GeneDx
Classification: Likely benign. Last evaluated: 2021-05-11. Review status: criteria provided, single submitter. Criteria: GeneDx Variant Classification Process June 2021. Collection method: clinical testing. Allele origin: germline. Affected: yes.
Comment: See Variant Classification Assertion Criteria.